The following is an entry in ClinVar:

NM_001035.3(RYR2):c.13293A>G (p.Glu4431=)

Gene: RYR2 (ryanodine receptor 2; plus strand). Cytogenetic location: 1q43.
Variant type: single nucleotide variant.
Coding change: c.13293A>G on transcript NM_001035.3 (MANE Select); coding-DNA position 13293, A replaced by G.
Protein change: p.Glu4431=; no amino-acid change (glutamic acid 4431 retained).
Molecular consequence: synonymous variant.
Genome position (GRCh38, 1-based): chr1:237,786,001, A>G. VCF-style: chr1-237786001-A-G. GRCh37 (hg19) VCF-style: chr1-237949301-A-G.
Other names: c.13293A>G, p.Glu4431= (LRG_402t1).
Identifiers: ClinVar variation 496090 (VCV000496090.29), dbSNP rs778248995, ClinGen allele CA085331.

ClinVar aggregate classification (germline): Benign/Likely benign. Review status: criteria provided, multiple submitters, no conflicts (2 of 4 stars). 5 submissions from 5 submitters: Benign (1); Likely benign (4). Last evaluated 2025-04-17.

Conditions:
Catecholaminergic polymorphic ventricular tachycardia (CVPT). Also called: Catecholamine-induced polymorphic ventricular tachycardia. Identifiers: Orphanet 3286, MedGen C5574922, MONDO:0017990.
Cardiomyopathy (CMYO). Also called: Cardiomyopathies. Identifiers: Orphanet 167848, MedGen C0878544, MONDO:0004994, HP:0001638. Inheritance: Various modes of inheritance.
Catecholaminergic polymorphic ventricular tachycardia 1. Also called: VENTRICULAR TACHYCARDIA, CATECHOLAMINERGIC POLYMORPHIC, 1, WITH OR WITHOUT ATRIAL DYSFUNCTION AND/OR DILATED CARDIOMYOPATHY; VENTRICULAR TACHYCARDIA, STRESS-INDUCED POLYMORPHIC 1; RYR2-Related Catecholaminergic Polymorphic Ventricular Tachycardia. Identifiers: Orphanet 3286, MedGen C1631597, MONDO:0011484, OMIM 604772.

Allele frequency attached by ClinVar (database versions not stated): TOPMed below 0.00001; gnomAD exomes 0.00002 and 0.00004; ExAC 0.00006.
gnomAD v4.1: 9 of 1,592,630 alleles (0.00057%); highest among the groups gnomAD compares: Admixed American, 0.016%; no homozygotes.

Submissions (5):

Labcorp Genetics (formerly Invitae), Labcorp
Classification: Likely benign for Catecholaminergic polymorphic ventricular tachycardia 1. Last evaluated: 2025-04-17. Review status: criteria provided, single submitter. Criteria: Invitae Variant Classification Sherloc (09022015). Collection method: clinical testing. Allele origin: germline.

CeGaT Center for Human Genetics Tuebingen
Classification: Likely benign. Last evaluated: 2024-12-01. Review status: criteria provided, single submitter. Criteria: CeGaT Center For Human Genetics Tuebingen Variant Classification Criteria Version 2. Collection method: clinical testing. Allele origin: germline. Affected: yes. Observed: 1 variant allele.
Comment: RYR2: BP4, BP7

All of Us Research Program, National Institutes of Health
Classification: Likely benign for Catecholaminergic polymorphic ventricular tachycardia. Last evaluated: 2023-12-13. Review status: criteria provided, single submitter. Criteria: ACMG Guidelines, 2015. Collection method: clinical testing. Allele origin: germline. Inheritance: Autosomal dominant inheritance. Observed: 2 variant alleles, 2 heterozygotes.
Comment: This study involves interpretation of variants in research participants for the purpose of population health screening. Participant phenotype was not available at the time of variant classification. Additional details can be found in publication PMID: 35346344, PMCID: PMC8962531

Color Diagnostics, LLC DBA Color Health
Classification: Likely benign for Cardiomyopathy. Last evaluated: 2019-02-25. Review status: criteria provided, single submitter. Criteria: ACMG Guidelines, 2015. Collection method: clinical testing. Allele origin: germline.

Women's Health and Genetics/Laboratory Corporation of America, LabCorp
Classification: Benign. Last evaluated: 2016-11-28. Review status: criteria provided, single submitter. Criteria: LabCorp Variant Classification Summary - May 2015. Collection method: clinical testing. Allele origin: germline.
Comment: Variant summary: The RYR2 c.13293A>G (p.Glu4431Glu) variant involves the alteration of a non-conserved nucleotide, resulting in a synonymous change. One in silico tool predicts a damaging outcome for this variant. 5/5 splice prediction tools predict no significant impact on normal splicing. However, these predictions have yet to be confirmed by functional studies. This variant was found in 3/46966 control chromosomes at a frequency of 0.0000639, which is approximately 3 times the estimated maximal expected allele frequency of a pathogenic RYR2 variant (0.000025), suggesting this variant is likely a benign polymorphism. The variant of interest has not, to our knowledge, been reported in affected individuals via publications and/or reputable databases/clinical diagnostic laboratories; nor evaluated for functional impact by in vivo/vitro studies. Taken together, this variant is classified as benign.